The following is an entry in ClinVar:

NM_005536.4(IMPA1):c.246C>A (p.Thr82=)

Gene: IMPA1 (inositol monophosphatase 1; minus strand). Cytogenetic location: 8q21.13.
Variant type: single nucleotide variant.
Coding change: c.246C>A on transcript NM_005536.4 (MANE Select); coding-DNA position 246, C replaced by A.
Protein change: p.Thr82=; no amino-acid change (threonine 82 retained).
Molecular consequence: synonymous variant.
Genome position (GRCh38, 1-based): chr8:81,679,182, G>T on the plus strand (C>A on the coding strand, the complement: IMPA1 is on the minus strand). VCF-style: chr8-81679182-G-T. GRCh37 (hg19) VCF-style: chr8-82591417-G-T.
Other names: c.423C>A, p.Thr141= (NM_001144878.2); c.246C>A, p.Thr82= (NM_001144879.2); c.246C>A (NM_005536.3).
Identifiers: ClinVar variation 764254 (VCV000764254.9), dbSNP rs139555224, ClinGen allele CA4792691.
Genomic context (GRCh38, chr8:81,679,182, plus strand): 5'-ATACCTATGTACAAAGTTAGTTGTTCCATCAATAGGGTCAATGATCCATGTGGGGTTGTC[G>T]GTTAAGATACTTTTTTCCCCAGCTGCCACAGATTCTTCACCAATGAAACTAAAAGCCAAG-3'
Protein context (NP_005527.1, residues 72-92): SVAAGEKSIL[Thr82=]DNPTWIIDPI

ClinVar aggregate classification (germline): Likely benign. Review status: criteria provided, multiple submitters, no conflicts (2 of 4 stars). 3 submissions from 3 submitters: Likely benign (2). 1 of the submissions does not count toward it. Last evaluated 2026-03-01.

Conditions:
IMPA1-related disorder. Also called: IMPA1-related condition.

Allele frequency attached by ClinVar (database versions not stated): ESP Exome Variant Server 0.00023; 1000 Genomes Project 0.00040; 1000 Genomes Project 30x 0.00047; TOPMed 0.00048.
gnomAD v4.1: 81 of 1,613,914 alleles (0.005%); highest among the groups gnomAD compares: African/African-American, 0.099%; no homozygotes.

Submissions (3):

CeGaT Center for Human Genetics Tuebingen
Classification: Likely benign. Last evaluated: 2026-03-01. Review status: criteria provided, single submitter. Criteria: CeGaT Center For Human Genetics Tuebingen Variant Classification Criteria Version 2. Collection method: clinical testing. Allele origin: germline. Affected: yes. Observed: 1 variant allele.
Comment: IMPA1: BP4, BP7

Labcorp Genetics (formerly Invitae), Labcorp
Classification: Likely benign. Last evaluated: 2018-07-20. Review status: criteria provided, single submitter. Criteria: Invitae Variant Classification Sherloc (09022015). Collection method: clinical testing. Allele origin: germline.

PreventionGenetics, part of Exact Sciences
Classification: Likely benign for IMPA1-related condition. Last evaluated: 2019-08-08. Review status: no assertion criteria provided. Collection method: clinical testing. Allele origin: germline. Not counted in ClinVar's aggregate classification.
Comment: This variant is classified as likely benign based on ACMG/AMP sequence variant interpretation guidelines (Richards et al. 2015 PMID: 25741868, with internal and published modifications).